The following is an entry in ClinVar:

ClinVar aggregate classification (germline): Uncertain significance (1 of 4 stars; one submission).

Submission:

Labcorp Genetics (formerly Invitae), Labcorp
Classification: Uncertain significance. Last evaluated: 2021-08-11. Review status: criteria provided, single submitter. Criteria: Invitae Variant Classification Sherloc (09022015). Collection method: clinical testing. Allele origin: germline.
Comment: This sequence change replaces leucine with histidine at codon 580 of the GPAA1 protein (p.Leu580His). The leucine residue is moderately conserved and there is a moderate physicochemical difference between leucine and histidine. This variant is not present in population databases (ExAC no frequency). This variant has not been reported in the literature in individuals affected with GPAA1-related conditions. Algorithms developed to predict the effect of missense changes on protein structure and function are either unavailable or do not agree on the potential impact of this missense change (SIFT: "Deleterious"; PolyPhen-2: "Probably Damaging"; Align-GVGD: "Class C0"). In summary, the available evidence is currently insufficient to determine the role of this variant in disease. Therefore, it has been classified as a Variant of Uncertain Significance.

NM_003801.4(GPAA1):c.1739T>A (p.Leu580His)

Gene: GPAA1 (glycosylphosphatidylinositol anchor attachment 1; plus strand). Cytogenetic location: 8q24.3.
Variant type: single nucleotide variant.
Coding change: c.1739T>A on transcript NM_003801.4 (MANE Select); coding-DNA position 1739, T replaced by A.
Protein change: p.Leu580His; replaces leucine 580 with histidine.
Molecular consequence: missense variant.
Genome position (GRCh38, 1-based): chr8:144,085,998, T>A. VCF-style: chr8-144085998-T-A. GRCh37 (hg19) VCF-style: chr8-145140901-T-A.
Other names: short protein forms L580H.
Identifiers: ClinVar variation 1512064 (VCV001512064.6), dbSNP rs2129949564, ClinGen allele CA372508847.